The following is an entry in ClinVar:

NM_002180.3(IGHMBP2):c.1334A>C (p.His445Pro)

Gene: IGHMBP2 (immunoglobulin mu DNA binding protein 2; plus strand). Cytogenetic location: 11q13.3.
Variant type: single nucleotide variant.
Coding change: c.1334A>C on transcript NM_002180.3 (MANE Select); coding-DNA position 1334, A replaced by C.
Protein change: p.His445Pro; replaces histidine 445 with proline.
Molecular consequence: missense variant.
Genome position (GRCh38, 1-based): chr11:68,933,397, A>C. VCF-style: chr11-68933397-A-C. GRCh37 (hg19) VCF-style: chr11-68700865-A-C.
Other names: short protein forms H445P.
Identifiers: ClinVar variation 637903 (VCV000637903.12), dbSNP rs571142182, ClinGen allele CA6153606.

ClinVar aggregate classification (germline): Pathogenic/Likely pathogenic. Review status: criteria provided, multiple submitters, no conflicts (2 of 4 stars). 6 submissions from 6 submitters: Pathogenic (2); Likely pathogenic (3). 1 of the submissions does not count toward it. Last evaluated 2026-07-01.

Conditions:
Distal spinal muscular atrophy. Also called: Distal hereditary motor neuropathy; Distal hereditary motor neuronopathy. Identifiers: Orphanet 53739, MedGen C0393541, MONDO:0018894.
Charcot-Marie-Tooth disease axonal type 2S. Also called: CHARCOT-MARIE-TOOTH NEUROPATHY, TYPE 2S; CHARCOT-MARIE-TOOTH DISEASE, AXONAL, AUTOSOMAL RECESSIVE, TYPE 2S. Identifiers: Orphanet 443073, MedGen C4015349, MONDO:0014511, OMIM 616155.
Autosomal recessive distal spinal muscular atrophy 1. Also called: HMN VI; NEURONOPATHY, SEVERE INFANTILE AXONAL, WITH RESPIRATORY FAILURE; Spinal muscular atrophy with respiratory distress 1; NEURONOPATHY, DISTAL HEREDITARY MOTOR, HARDING TYPE VI; NEUROPATHY, DISTAL HEREDITARY MOTOR, AUTOSOMAL RECESSIVE 1; SEVERE INFANTILE AXONAL NEUROPATHY WITH RESPIRATORY FAILURE. Identifiers: Orphanet 98920, MedGen C1858517, MONDO:0011436, OMIM 604320.

Allele frequency attached by ClinVar (database versions not stated): 1000 Genomes Project 30x 0.00031; 1000 Genomes Project 0.00040.
gnomAD v4.1: 3 of 1,613,174 alleles (0.00019%); highest among the groups gnomAD compares: East Asian, 0.0067%; no homozygotes.

Submissions (6):

3billion
Classification: Likely pathogenic for Autosomal recessive distal spinal muscular atrophy 1. Last evaluated: 2026-07-01. Review status: criteria provided, single submitter. Criteria: ACMG Guidelines, 2015. Collection method: clinical testing. Allele origin: germline. Inheritance: Autosomal recessive inheritance. Affected: yes.
Comment: The variant is observed at an extremely low frequency in the gnomAD v4.1.0 dataset (total allele frequency: <0.001%). Predicted Consequence/Location: Missense variant In silico tool predictions suggest damaging effect of the variant on gene or gene product [REVEL: 0.961 (>= 0.644, sensitivity 0.68 and specificity 0.92); 3Cnet: 0.870 (>= 0.75, sensitivity 0.96 and precision 0.92)]. The same nucleotide change resulting in the same amino acid change has been previously reported as pathogenic/likely pathogenic with strong evidence (ClinVar ID: VCV000637903.11 / PMID: 17431882). The variant has been reported to be in trans (confirmed or potential) with an additional pathogenic variant or VUS in at least one similarly affected unrelated individual (PMID: 38415210). Therefore, this variant is classified as Likely pathogenic (PS1_S, PM2_P, PM3_P, PP3_P) according to the recommendation of ACMG/AMP guideline.

Labcorp Genetics (formerly Invitae), Labcorp
Classification: Pathogenic for Autosomal recessive distal spinal muscular atrophy 1; Charcot-Marie-Tooth disease axonal type 2S. Last evaluated: 2026-01-12. Review status: criteria provided, single submitter. Criteria: Invitae Variant Classification Sherloc (09022015). Collection method: clinical testing. Allele origin: germline.
Comment: This sequence change replaces histidine, which is basic and polar, with proline, which is neutral and non-polar, at codon 445 of the IGHMBP2 protein (p.His445Pro). This variant is present in population databases (rs571142182, gnomAD 0.01%). This missense change has been observed in individuals with clinical features of IGHMBP2-related conditions (PMID: 17431882, 38415210). ClinVar contains an entry for this variant (Variation ID: 637903). Invitae Evidence Modeling of protein sequence and biophysical properties (such as structural, functional, and spatial information, amino acid conservation, physicochemical variation, residue mobility, and thermodynamic stability) indicates that this missense variant is expected to disrupt IGHMBP2 protein function with a positive predictive value of 95%. Experimental studies have shown that this missense change affects IGHMBP2 function (PMID: 19158098). For these reasons, this variant has been classified as Pathogenic.

Genesolutions, Medical Genetics Institutes, Ho Chi Minh City, Vietnam
Classification: Likely pathogenic for Charcot-Marie-Tooth disease axonal type 2S. Last evaluated: 2025-09-24. Review status: criteria provided, single submitter. Criteria: ACMG Guidelines, 2015. Collection method: clinical testing. Allele origin: germline. Affected: yes.

Women's Health and Genetics/Laboratory Corporation of America, LabCorp
Classification: Pathogenic for Charcot-Marie-Tooth disease axonal type 2S. Last evaluated: 2025-06-24. Review status: criteria provided, single submitter. Criteria: LabCorp Variant Classification Summary - May 2015. Collection method: clinical testing. Allele origin: germline.
Comment: Variant summary: IGHMBP2 c.1334A>C (p.His445Pro) results in a non-conservative amino acid change located in the DNA2/NAM7 helicase-like, C-terminal domain (IPR041679) of the encoded protein sequence. Algorithms developed to predict the effect of missense changes on protein structure and function all suggest that this variant is likely to be disruptive. The variant allele was found at a frequency of 1.2e-05 in 248802 control chromosomes. c.1334A>C has been observed in multiple compound heterozygous and homozygous individuals affected with Spinal Muscular Atrophy With Respiratory Distress or Charcot-Marie-Tooth disease axonal type 2S (Guenther_2007, Nghia_2025, Tran_2024). These data indicate that the variant is very likely to be associated with disease. To our knowledge, no experimental evidence demonstrating an impact on protein function has been reported. The following publications have been ascertained in the context of this evaluation (PMID: 17431882, 22965130, 39973457, 38415210, 39170411). ClinVar contains an entry for this variant (Variation ID: 637903). Based on the evidence outlined above, the variant was classified as pathogenic.

MGZ Medical Genetics Center
Classification: Likely pathogenic for Autosomal recessive distal spinal muscular atrophy 1. Last evaluated: 2022-06-20. Review status: criteria provided, single submitter. Criteria: ACMG Guidelines, 2015. Collection method: clinical testing. Allele origin: germline. Affected: yes. Observed: 1 variant allele.
Comment: ACMG criteria applied: PM1, PM3, PM2_SUP, PP3

Inherited Neuropathy Consortium
Classification: Uncertain significance for Distal spinal muscular atrophy. Review status: flagged submission. Collection method: literature only. Allele origin: germline. Affected: yes. Not counted in ClinVar's aggregate classification.
ClinVar note: Reason: Older claim that does not account for recent evidence

Literature cited by the submitters: PubMed 17431882 (cited by 4 submitters); PubMed 38415210 (cited by 3 submitters); PubMed 19158098 (cited by Labcorp Genetics (formerly Invitae), Labcorp); PubMed 22965130 (cited by Women's Health and Genetics/Laboratory Corporation of America, LabCorp); PubMed 39973457 (cited by Women's Health and Genetics/Laboratory Corporation of America, LabCorp); PubMed 39170411 (cited by Women's Health and Genetics/Laboratory Corporation of America, LabCorp).